The following is an entry in ClinVar:

ClinVar aggregate classification (germline): Uncertain significance. Review status: criteria provided, multiple submitters, no conflicts (2 of 4 stars). 4 submissions from 4 submitters: Uncertain significance (4). Last evaluated 2022-09-12.

Conditions:
Hereditary cancer-predisposing syndrome. Also called: Neoplastic Syndromes, Hereditary; Tumor predisposition; Hereditary neoplastic syndrome; Hereditary Cancer Syndrome. Identifiers: Orphanet 140162, MedGen C0027672, MeSH D009386, MONDO:0015356.
Neurofibromatosis, type 2 (SWNV). Also called: BILATERAL ACOUSTIC NEUROFIBROMATOSIS; SCHWANNOMATOSIS, VESTIBULAR; NF2-Related Schwannomatosis. Identifiers: Orphanet 637, MedGen C0027832, MONDO:0007039, OMIM 101000. Disease mechanism: loss of function.

Submissions (4):

Ambry Genetics
Classification: Uncertain significance for Hereditary cancer-predisposing syndrome. Last evaluated: 2022-09-12. Review status: criteria provided, single submitter. Criteria: Ambry Variant Classification Scheme 2023. Collection method: clinical testing. Allele origin: germline.
Comment: The p.P134L variant (also known as c.401C>T), located in coding exon 4 of the NF2 gene, results from a C to T substitution at nucleotide position 401. The proline at codon 134 is replaced by leucine, an amino acid with similar properties. This amino acid position is conserved. In addition, the in silico prediction for this alteration is inconclusive. Since supporting evidence is limited at this time, the clinical significance of this alteration remains unclear.

Genome-Nilou Lab
Classification: Uncertain significance for Neurofibromatosis, type 2. Last evaluated: 2021-11-07. Review status: criteria provided, single submitter. Criteria: ACMG Guidelines, 2015. Collection method: clinical testing. Allele origin: germline. Affected: no.

Mendelics
Classification: Uncertain significance for Neurofibromatosis, type 2. Last evaluated: 2018-07-02. Review status: criteria provided, single submitter. Criteria: Mendelics Assertion Criteria 2017. Collection method: clinical testing. Allele origin: unknown.

Labcorp Genetics (formerly Invitae), Labcorp
Classification: Uncertain significance for Neurofibromatosis, type 2. Last evaluated: 2017-07-25. Review status: criteria provided, single submitter. Criteria: Invitae Variant Classification Sherloc (09022015). Collection method: clinical testing. Allele origin: germline.
Comment: In summary, the available evidence is currently insufficient to determine the role of this variant in disease. Therefore, it has been classified as a Variant of Uncertain Significance. Algorithms developed to predict the effect of missense changes on protein structure and function (SIFT, PolyPhen-2, Align-GVGD) all suggest that this variant is likely to be tolerated, but these predictions have not been confirmed by published functional studies and their clinical significance is uncertain. This variant has not been reported in the literature in individuals with NF2-related disease. This variant is not present in population databases (ExAC no frequency). This sequence change replaces proline with leucine at codon 134 of the NF2 protein (p.Pro134Leu). The proline residue is highly conserved and there is a moderate physicochemical difference between proline and leucine.

NM_000268.4(NF2):c.401C>T (p.Pro134Leu)

Gene: NF2 (NF2, moesin-ezrin-radixin like (MERLIN) tumor suppressor; plus strand). Cytogenetic location: 22q12.2.
Variant type: single nucleotide variant.
Coding change: c.401C>T on transcript NM_000268.4 (MANE Select); coding-DNA position 401, C replaced by T.
Protein change: p.Pro134Leu; replaces proline 134 with leucine.
Molecular consequence: missense variant. On other transcripts: non-coding transcript variant (1).
Genome position (GRCh38, 1-based): chr22:29,642,239, C>T. VCF-style: chr22-29642239-C-T. GRCh37 (hg19) VCF-style: chr22-30038228-C-T.
Other names: c.401C>T, p.Pro134Leu (NM_016418.5, NM_181825.3, NM_181832.3 and 1 more transcripts); c.275C>T, p.Pro92Leu (NM_181828.3); c.278C>T, p.Pro93Leu (NM_181829.3); c.152C>T, p.Pro51Leu (NM_181830.3, NM_181831.3); short protein forms P134L, P51L, P92L, P93L.
Identifiers: ClinVar variation 457916 (VCV000457916.14), dbSNP rs1029716358, ClinGen allele CA323123711.
Genomic context (GRCh38, chr22:29,642,239, plus strand): 5'-GTCTCCCTTGTTGCTCCTTTCAGGTAAAGAAGCAGATTTTAGATGAAAAGATCTACTGCC[C>T]TCCTGAGGCTTCTGTGCTCCTGGCTTCTTACGCCGTCCAGGCCAAGGTAGGCTCAAAGAA-3'
Protein context (NP_000259.1, residues 124-144): KQILDEKIYC[Pro134Leu]PEASVLLASY